The following is an entry in ClinVar:

NM_013275.6(ANKRD11):c.1817AGA[2] (p.Lys608del)

Gene: ANKRD11 (ankyrin repeat domain 11; minus strand). Cytogenetic location: 16q24.3.
Variant type: Microsatellite.
Coding change: c.1817AGA[2] on transcript NM_013275.6 (MANE Select); two copies in a row of the 3-base unit AGA starting at c.1817; the reference has three copies in a row; one copy, 3 bases deleted.
Protein change: p.Lys608del; deletes lysine 608.
Molecular consequence: inframe deletion.
Genome position (GRCh38, 1-based): chr16:89,284,717-89,284,719, TCT deleted on the plus strand (AGA on the coding strand, the reverse complement: ANKRD11 is on the minus strand); deleting any 3 consecutive bases within chr16:89,284,717-89,284,725 gives the same sequence; the position shown is the placement nearest the transcript's 3' end. VCF-style (leftmost placement, unchanged base first): chr16-89284716-CTCT-C. GRCh37 (hg19) VCF-style: chr16-89351124-CTCT-C.
Other names: c.1817AGA[2], p.Lys608del (NM_001256182.2, NM_001256183.2); c.1823_1825delAGA (NM_013275.6); short protein forms K608del.
Identifiers: ClinVar variation 2444816 (VCV002444816.3), dbSNP rs757383760, ClinGen allele CA8242685.

ClinVar aggregate classification (germline): Conflicting classifications of pathogenicity. Review status: criteria provided, conflicting classifications (1 of 4 stars). 3 submissions from 3 submitters: Uncertain significance (2); Likely benign (1). Last evaluated 2026-05-21.

Conditions:
KBG syndrome (KBGS). Also called: ANKRD11-Related KBG Syndrome. Identifiers: Orphanet 2332, MedGen C0220687, MONDO:0007846, OMIM 148050.

Submissions (3):

Women's Health and Genetics/Laboratory Corporation of America, LabCorp
Classification: Likely benign. Last evaluated: 2026-05-21. Review status: criteria provided, single submitter. Criteria: LabCorp Variant Classification Summary - May 2015. Collection method: clinical testing. Allele origin: germline.
Comment: Variant summary: ANKRD11 c.1823_1825delAGA (p.Lys608del) results in an in-frame deletion that is predicted to remove 1 amino acid from the encoded protein. The variant allele was found at a frequency of 4e-05 in 250008 control chromosomes. The observed variant frequency exceeds the estimated maximal expected allele frequency for disease-causing variants in ANKRD11. To our knowledge, no occurrence of c.1823_1825delAGA in individuals affected with ANKRD11-related conditions and no experimental evidence demonstrating its impact on protein function have been reported. ClinVar contains an entry for this variant (Variation ID: 2444816). Based on the evidence outlined above, the variant was classified as likely benign.

Labcorp Genetics (formerly Invitae), Labcorp
Classification: Uncertain significance for KBG syndrome. Last evaluated: 2024-06-22. Review status: criteria provided, single submitter. Criteria: Invitae Variant Classification Sherloc (09022015). Collection method: clinical testing. Allele origin: germline.
Comment: This variant, c.1823_1825del, results in the deletion of 1 amino acid(s) of the ANKRD11 protein (p.Lys608del), but otherwise preserves the integrity of the reading frame. This variant is present in population databases (rs757383760, gnomAD 0.01%). This variant has not been reported in the literature in individuals affected with ANKRD11-related conditions. ClinVar contains an entry for this variant (Variation ID: 2444816). Experimental studies and prediction algorithms are not available or were not evaluated, and the functional significance of this variant is currently unknown. In summary, the available evidence is currently insufficient to determine the role of this variant in disease. Therefore, it has been classified as a Variant of Uncertain Significance.

GeneDx
Classification: Uncertain significance. Last evaluated: 2022-09-19. Review status: criteria provided, single submitter. Criteria: GeneDx Variant Classification Process June 2021. Collection method: clinical testing. Allele origin: germline. Affected: yes.
Comment: In-frame deletion of 1 amino acids in a non-repeat region; In silico analysis supports a deleterious effect on protein structure/function; Has not been previously published as pathogenic or benign to our knowledge